The following is an entry in ClinVar:

NM_001206927.2(DNAH8):c.6860T>G (p.Leu2287Ter)

Gene: DNAH8 (dynein axonemal heavy chain 8; plus strand). Cytogenetic location: 6p21.2.
Variant type: single nucleotide variant.
Coding change: c.6860T>G on transcript NM_001206927.2 (MANE Select); coding-DNA position 6860, T replaced by G.
Protein change: p.Leu2287Ter; replaces leucine 2287 with a stop codon.
Molecular consequence: nonsense.
Genome position (GRCh38, 1-based): chr6:38,870,432, T>G. VCF-style: chr6-38870432-T-G. GRCh37 (hg19) VCF-style: chr6-38838208-T-G.
Other names: c.6209T>G, p.Leu2070Ter (NM_001371.4); short protein forms L2070*, L2287*.
Identifiers: ClinVar variation 2831428 (VCV002831428.3), dbSNP rs2533069131, ClinGen allele CA364026115.

ClinVar aggregate classification (germline): Pathogenic (1 of 4 stars; one submission).

Conditions:
Primary ciliary dyskinesia. Also called: Ciliary dyskinesia. Identifiers: Orphanet 244, MedGen C0008780, MONDO:0016575, HP:0012265.

Submission:

Labcorp Genetics (formerly Invitae), Labcorp
Classification: Pathogenic for Primary ciliary dyskinesia. Last evaluated: 2023-09-25. Review status: criteria provided, single submitter. Criteria: Invitae Variant Classification Sherloc (09022015). Collection method: clinical testing. Allele origin: germline.
Comment: For these reasons, this variant has been classified as Pathogenic. This variant has not been reported in the literature in individuals affected with DNAH8-related conditions. This variant is not present in population databases (gnomAD no frequency). This sequence change creates a premature translational stop signal (p.Leu2287*) in the DNAH8 gene. It is expected to result in an absent or disrupted protein product. Loss-of-function variants in DNAH8 are known to be pathogenic (PMID: 24307375, 32619401, 32681648).

Literature cited by the submitters: PubMed 24307375; PubMed 32619401; PubMed 32681648.